The following is an entry in ClinVar:

ClinVar aggregate classification (germline): Uncertain significance (1 of 4 stars; one submission).

Allele frequency attached by ClinVar (database versions not stated): gnomAD exomes below 0.00001; TOPMed below 0.00001.
gnomAD v4.1: 1 of 1,610,776 alleles (0.000062%); highest among the groups gnomAD compares: African/African-American, 0.0013%; no homozygotes.

Submission:

Labcorp Genetics (formerly Invitae), Labcorp
Classification: Uncertain significance. Last evaluated: 2025-08-04. Review status: criteria provided, single submitter. Criteria: Invitae Variant Classification Sherloc (09022015). Collection method: clinical testing. Allele origin: germline.
Comment: This sequence change replaces tryptophan, which is neutral and slightly polar, with arginine, which is basic and polar, at codon 412 of the GPR179 protein (p.Trp412Arg). This variant is present in population databases (no rsID available, gnomAD 0.007%). This variant has not been reported in the literature in individuals affected with GPR179-related conditions. ClinVar contains an entry for this variant (Variation ID: 1480056). An algorithm developed to predict the effect of missense changes on protein structure and function outputs the following: PolyPhen-2: "Benign". The arginine amino acid residue is found in multiple mammalian species, which suggests that this missense change does not adversely affect protein function. In summary, the available evidence is currently insufficient to determine the role of this variant in disease. Therefore, it has been classified as a Variant of Uncertain Significance.

NM_001004334.4(GPR179):c.1234T>C (p.Trp412Arg)

Gene: GPR179 (G protein-coupled receptor 179; minus strand). Cytogenetic location: 17q12.
Variant type: single nucleotide variant.
Coding change: c.1234T>C on transcript NM_001004334.4 (MANE Select); coding-DNA position 1234, T replaced by C.
Protein change: p.Trp412Arg; replaces tryptophan 412 with arginine.
Molecular consequence: missense variant.
Genome position (GRCh38, 1-based): chr17:38,336,138, A>G on the plus strand (T>C on the coding strand, the complement: GPR179 is on the minus strand). VCF-style: chr17-38336138-A-G. GRCh37 (hg19) VCF-style: chr17-36492021-A-G.
Other names: short protein forms W412R.
Identifiers: ClinVar variation 1480056 (VCV001480056.6), dbSNP rs1261539650, ClinGen allele CA398887321.